The following is an entry in ClinVar:

ClinVar aggregate classification (germline): Likely pathogenic (1 of 4 stars; one submission).

Conditions:
Mitochondrial complex I deficiency, nuclear type 21. Also called: Mitochondrial complex 1 deficiency, nuclear type 21. Identifiers: MedGen C4748792, MONDO:0032625, OMIM 618242.

Submission:

Undiagnosed Diseases Network, NIH
Classification: Likely pathogenic for Mitochondrial complex I deficiency, nuclear type 21. Last evaluated: 2025-04-08. Review status: criteria provided, single submitter. Criteria: ACMG Guidelines, 2015. Collection method: clinical testing. Allele origin: paternal. Inheritance: Autosomal recessive inheritance. Affected: yes. Observed: 1 variant allele, 1 compound heterozygote. Study: Undiagnosed Diseases Network (NIH), UDN.
Comment: This frameshift variant is located in exon 3 of 11. It is predicted to introduce a premature termination codon and cause nonsense-mediated decay (NMD) in a gene where loss-of-function is a known mechanism of disease.

NM_025152.3(NUBPL):c.261del (p.Ala89fs)

Gene: NUBPL (NUBP iron-sulfur cluster assembly factor, mitochondrial; plus strand). Cytogenetic location: 14q12.
Variant type: Deletion.
Coding change: c.261del on transcript NM_025152.3 (MANE Select); coding-DNA position 261, one base deleted (T; older notation c.261delT).
Protein change: p.Ala89fs; shifts the reading frame from alanine 89.
Molecular consequence: frameshift variant. On other transcripts: non-coding transcript variant (1).
Genome position (GRCh38, 1-based): chr14:31,565,018, T deleted. VCF-style (leftmost placement, unchanged base first): chr14-31565017-AT-A. GRCh37 (hg19) VCF-style: chr14-32034223-AT-A.
Other names: p.A89Hfs*4; short protein forms A89fs.
Identifiers: ClinVar variation 3906930 (VCV003906930.1).